The following is an entry in ClinVar:

ClinVar aggregate classification (germline): Likely benign (1 of 4 stars; one submission).

Allele frequency attached by ClinVar (database versions not stated): TOPMed 0.00001; gnomAD 0.00002; gnomAD exomes 0.00002; ESP Exome Variant Server 0.00009.
gnomAD v4.1: 24 of 1,208,650 alleles (0.002%); highest among the groups gnomAD compares: Admixed American, 0.0066%; no homozygotes.

Submission:

CeGaT Center for Human Genetics Tuebingen
Classification: Likely benign. Last evaluated: 2023-09-01. Review status: criteria provided, single submitter. Criteria: CeGaT Center For Human Genetics Tuebingen Variant Classification Criteria Version 2. Collection method: clinical testing. Allele origin: germline. Affected: yes. Observed: 1 variant allele.
Comment: HUWE1: BS2

NM_031407.7(HUWE1):c.10883G>A (p.Arg3628His)

Gene: HUWE1 (HECT, UBA and WWE domain containing E3 ubiquitin protein ligase 1; minus strand). Cytogenetic location: Xp11.22.
Variant type: single nucleotide variant.
Coding change: c.10883G>A on transcript NM_031407.7 (MANE Select); coding-DNA position 10883, G replaced by A.
Protein change: p.Arg3628His; replaces arginine 3628 with histidine.
Molecular consequence: missense variant.
Genome position (GRCh38, 1-based): chrX:53,546,468, C>T on the plus strand (G>A on the coding strand, the complement: HUWE1 is on the minus strand). VCF-style: chrX-53546468-C-T. GRCh37 (hg19) VCF-style: chrX-53573429-C-T.
Other names: short protein forms R3628H.
Identifiers: ClinVar variation 2660615 (VCV002660615.24), dbSNP rs374868153, ClinGen allele CA329186739.
Genomic context (GRCh38, chrX:53,546,468, plus strand): 5'-AGAGAAAATGCTTTACTTCTGCTATTACCTATTTGTTTACAAAGGGTATAACCCAGATGG[C>T]GGGCTCCATTCAGTAGCAGCTTGAGAACAGTGTCCCGGGTCCCAGAGTCCCCCCGGGAGA-3'
Protein context (NP_113584.3, residues 3618-3638): TVLKLLLNGA[Arg3628His]HLGYTLCKQI